The following is an entry in ClinVar:

NM_000548.5(TSC2):c.4663-2A>C

Gene: TSC2 (TSC complex subunit 2; plus strand). Cytogenetic location: 16p13.3.
Variant type: single nucleotide variant.
Coding change: c.4663-2A>C on transcript NM_000548.5 (MANE Select); the canonical splice acceptor site of the intron before coding-DNA position 4663, A replaced by C.
Molecular consequence: splice acceptor variant.
Genome position (GRCh38, 1-based): chr16:2,086,191, A>C. VCF-style: chr16-2086191-A-C. GRCh37 (hg19) VCF-style: chr16-2136192-A-C.
Other names: c.3121-2A>C (NM_001406693.1, NM_001406692.1, NM_001406694.1); c.4555-2A>C (NM_001406667.1); c.4552-2A>C (NM_001406668.1); c.4063-2A>C (NM_001406680.1); c.3994-2A>C (NM_001406683.1, NM_001406682.1); c.3862-2A>C (NM_001406687.1, NM_001406688.1); c.3250-2A>C (NM_001406689.1); c.3190-2A>C (NM_001406690.1); and 26 more.
Identifiers: ClinVar variation 1993912 (VCV001993912.4), dbSNP rs2151569037, ClinGen allele CA394306823.

ClinVar aggregate classification (germline): Pathogenic (1 of 4 stars; one submission).

Conditions:
Tuberous sclerosis 2 (TSC2). Identifiers: Orphanet 805, MedGen C1860707, MONDO:0013199, OMIM 613254.

Submission:

Labcorp Genetics (formerly Invitae), Labcorp
Classification: Pathogenic for Tuberous sclerosis 2. Last evaluated: 2022-05-13. Review status: criteria provided, single submitter. Criteria: Invitae Variant Classification Sherloc (09022015). Collection method: clinical testing. Allele origin: germline.
Comment: For these reasons, this variant has been classified as Pathogenic. Algorithms developed to predict the effect of sequence changes on RNA splicing suggest that this variant may disrupt the consensus splice site. Disruption of this splice site has been observed in individuals with tuberous sclerosis complex (PMID: 11112665). This variant is not present in population databases (gnomAD no frequency). This sequence change affects an acceptor splice site in intron 36 of the TSC2 gene. It is expected to disrupt RNA splicing. Variants that disrupt the donor or acceptor splice site typically lead to a loss of protein function (PMID: 16199547), and loss-of-function variants in TSC2 are known to be pathogenic (PMID: 10205261, 17304050).

Literature cited by the submitters: PubMed 11112665; PubMed 16199547; PubMed 10205261; PubMed 17304050.